The following is an entry in ClinVar:

ClinVar aggregate classification (germline): Uncertain significance. Review status: criteria provided, multiple submitters, no conflicts (2 of 4 stars). 3 submissions from 3 submitters: Uncertain significance (3). Last evaluated 2023-09-08.

Conditions:
Inborn genetic diseases. Identifiers: MedGen C0950123, MeSH D030342.
Deafness-encephaloneuropathy-obesity-valvulopathy syndrome. Identifiers: Orphanet 254898, MedGen C3553354, MONDO:0013837, OMIM 614651.

Allele frequency attached by ClinVar (database versions not stated): gnomAD exomes below 0.00001 and 0.00001; gnomAD 0.00001; ExAC 0.00002.
gnomAD v4.1: 15 of 1,613,072 alleles (0.00093%); highest among the groups gnomAD compares: South Asian, 0.0044%; no homozygotes.

Submissions (3):

Labcorp Genetics (formerly Invitae), Labcorp
Classification: Uncertain significance. Last evaluated: 2023-09-08. Review status: criteria provided, single submitter. Criteria: Invitae Variant Classification Sherloc (09022015). Collection method: clinical testing. Allele origin: germline.
Comment: This sequence change replaces serine, which is neutral and polar, with leucine, which is neutral and non-polar, at codon 314 of the PDSS1 protein (p.Ser314Leu). This variant is present in population databases (rs766516366, gnomAD 0.0009%). This variant has not been reported in the literature in individuals affected with PDSS1-related conditions. ClinVar contains an entry for this variant (Variation ID: 299700). Advanced modeling of protein sequence and biophysical properties (such as structural, functional, and spatial information, amino acid conservation, physicochemical variation, residue mobility, and thermodynamic stability) performed at Invitae indicates that this missense variant is not expected to disrupt PDSS1 protein function. In summary, the available evidence is currently insufficient to determine the role of this variant in disease. Therefore, it has been classified as a Variant of Uncertain Significance.

Ambry Genetics
Classification: Uncertain significance for Inborn genetic diseases. Last evaluated: 2021-10-22. Review status: criteria provided, single submitter. Criteria: Ambry Variant Classification Scheme 2023. Collection method: clinical testing. Allele origin: germline.

Illumina Laboratory Services, Illumina
Classification: Uncertain significance for Deafness-encephaloneuropathy-obesity-valvulopathy syndrome. Last evaluated: 2018-01-12. Review status: criteria provided, single submitter. Criteria: ICSL Variant Classification Criteria 13 December 2019. Collection method: clinical testing. Allele origin: germline.

NM_014317.5(PDSS1):c.941C>T (p.Ser314Leu)

Gene: PDSS1 (decaprenyl diphosphate synthase subunit 1; plus strand). Cytogenetic location: 10p12.1.
Variant type: single nucleotide variant.
Coding change: c.941C>T on transcript NM_014317.5 (MANE Select); coding-DNA position 941, C replaced by T.
Protein change: p.Ser314Leu; replaces serine 314 with leucine.
Molecular consequence: missense variant. On other transcripts: intron variant (1).
Genome position (GRCh38, 1-based): chr10:26,735,494, C>T. VCF-style: chr10-26735494-C-T. GRCh37 (hg19) VCF-style: chr10-27024423-C-T.
Other names: c.431C>T, p.Ser144Leu (NM_001321979.2); c.836-7003C>T (NM_001321978.2); short protein forms S314L, S144L.
Identifiers: ClinVar variation 299700 (VCV000299700.10), dbSNP rs766516366, ClinGen allele CA5447081.
Genomic context (GRCh38, chr10:26,735,494, plus strand): 5'-TGCTCCTTACATCCCATTTTTCCTTTTGCCAGCTAATAGATGATGTATTGGACTTCACCT[C>T]GTGTTCTGACCAGATGGGCAAACCAACATCAGCTGATCTGAAGCTCGGGTTAGCCACTGG-3'
Protein context (NP_055132.2, residues 304-324): QLIDDVLDFT[Ser314Leu]CSDQMGKPTS